The following is an entry in ClinVar:

ClinVar aggregate classification (germline): Benign. Review status: criteria provided, multiple submitters, no conflicts (2 of 4 stars). 4 submissions from 4 submitters: Benign (4). Last evaluated 2026-01-28.

Conditions:
Factor V and factor VIII, combined deficiency of, type 1. Also called: Combined factor V and VIII deficiency; FMFD I; FAMILIAL MULTIPLE COAGULATION FACTOR DEFICIENCY I; MULTIPLE COAGULATION FACTOR DEFICIENCY I. Identifiers: Orphanet 35909, MedGen C4551981, MONDO:0009206, OMIM 227300.

Allele frequency attached by ClinVar (database versions not stated): 1000 Genomes Project 30x 0.02061; 1000 Genomes Project 0.02157; TOPMed 0.03540; ESP Exome Variant Server 0.03952; gnomAD 0.04005 and 0.04125; ExAC 0.04541; gnomAD exomes 0.04549 and 0.04849.

Submissions (4):

Labcorp Genetics (formerly Invitae), Labcorp
Classification: Benign. Last evaluated: 2026-01-28. Review status: criteria provided, single submitter. Criteria: Invitae Variant Classification Sherloc (09022015). Collection method: clinical testing. Allele origin: germline.

Mayo Clinic Laboratories, Mayo Clinic
Classification: Benign. Last evaluated: 2022-09-29. Review status: criteria provided, single submitter. Criteria: ACMG Guidelines, 2015. Collection method: clinical testing. Allele origin: germline. Observed: 10 variant alleles.

Illumina Laboratory Services, Illumina
Classification: Benign for Factor V and factor VIII, combined deficiency of, type 1. Last evaluated: 2018-01-13. Review status: criteria provided, single submitter. Criteria: ICSL Variant Classification Criteria 13 December 2019. Collection method: clinical testing. Allele origin: germline.
Comment: This variant was observed in the ICSL laboratory as part of a predisposition screen in an ostensibly healthy population. It had not been previously curated by ICSL or reported in the Human Gene Mutation Database (HGMD: prior to June 1st, 2018), and was therefore a candidate for classification through an automated scoring system. Utilizing variant allele frequency, disease prevalence and penetrance estimates, and inheritance mode, an automated score was calculated to assess if this variant is too frequent to cause the disease. Based on the score and internal cut-off values, a variant classified as benign is not then subjected to further curation. The score for this variant resulted in a classification of benign for this disease.

Breakthrough Genomics
Classification: Benign. Review status: criteria provided, single submitter. Criteria: ACMG Guidelines, 2015. Collection method: not provided. Allele origin: germline. Inheritance: Autosomal recessive inheritance. Affected: yes.

NM_005570.4(LMAN1):c.41G>A (p.Arg14Gln)

Genes: LMAN1 (lectin, mannose binding 1; minus strand), LOC130062607 (ATAC-STARR-seq lymphoblastoid active region 13415; plus strand). Cytogenetic location: 18q21.32.
Variant type: single nucleotide variant.
Coding change: c.41G>A on transcript NM_005570.4 (MANE Select); coding-DNA position 41, G replaced by A.
Protein change: p.Arg14Gln; replaces arginine 14 with glutamine.
Molecular consequence: missense variant.
Genome position (GRCh38, 1-based): chr18:59,359,204, C>T on the plus strand (G>A on the coding strand, the complement: LMAN1 is on the minus strand). VCF-style: chr18-59359204-C-T. GRCh37 (hg19) VCF-style: chr18-57026436-C-T.
Other names: short protein forms R14Q.
Identifiers: ClinVar variation 327579 (VCV000327579.8), dbSNP rs1043302, ClinGen allele CA8980093.